The following is an entry in ClinVar:

ClinVar aggregate classification (germline): Conflicting classifications of pathogenicity. Review status: criteria provided, conflicting classifications (1 of 4 stars). 9 submissions from 9 submitters: Uncertain significance (4); Benign (1); Likely benign (2). 2 of the submissions do not count toward it. Last evaluated 2025-05-19.

Conditions:
Breast-ovarian cancer, familial, susceptibility to, 1 (BROVCA1). Also called: OVARIAN CANCER, SUSCEPTIBILITY TO; BRCA1 Hereditary Breast and Ovarian Cancer. Identifiers: Orphanet 145, MedGen C2676676, MONDO:0011450, OMIM 604370. Disease mechanism: loss of function.
Pancreatic cancer, susceptibility to, 4. Identifiers: Orphanet 1333, MedGen C3280442, MONDO:0013685, OMIM 614320.
Fanconi anemia, complementation group S (FANCS). Identifiers: MedGen C4554406, MONDO:0054748, OMIM 617883.
Hereditary cancer-predisposing syndrome. Also called: Tumor predisposition; Neoplastic Syndromes, Hereditary; Hereditary Cancer Syndrome; Hereditary neoplastic syndrome. Identifiers: Orphanet 140162, MedGen C0027672, MeSH D009386, MONDO:0015356.
Hereditary breast ovarian cancer syndrome. Also called: Hereditary breast and ovarian cancer syndrome (HBOC); Hereditary breast and ovarian cancer syndrome; Hereditary breast and ovarian cancer; Hereditary breast and/or ovarian cancer syndrome; Breast and ovarian cancer; BRCA1- and BRCA2-Associated Hereditary Breast and Ovarian Cancer. Identifiers: Orphanet 145, MedGen C0677776, MeSH D061325, MONDO:0003582. Disease mechanism: loss of function.

gnomAD v4.1: 10 of 1,614,126 alleles (0.00062%); highest among the groups gnomAD compares: East Asian, 0.022%; no homozygotes.

Submissions (9):

Labcorp Genetics (formerly Invitae), Labcorp
Classification: Benign for Hereditary breast ovarian cancer syndrome. Last evaluated: 2025-05-19. Review status: criteria provided, single submitter. Criteria: Invitae Variant Classification Sherloc (09022015). Collection method: clinical testing. Allele origin: germline.

Color Diagnostics, LLC DBA Color Health
Classification: Uncertain significance for Hereditary cancer-predisposing syndrome. Last evaluated: 2025-05-13. Review status: criteria provided, single submitter. Criteria: ACMG Guidelines, 2015. Collection method: clinical testing. Allele origin: germline.
Comment: This missense variant replaces glycine with glutamic acid at codon 401 of the BRCA1 protein. Computational prediction is inconclusive regarding the impact of this variant on protein structure and function. To our knowledge, functional studies have not been reported for this variant. This variant has been reported in individuals affected with breast and/or ovarian cancer (PMID: 24249303, 28111427, 28364669, 29215753, 30652428). This variant has not been identified in the general population by the Genome Aggregation Database (gnomAD). The available evidence is insufficient to determine the role of this variant in disease conclusively. Therefore, this variant is classified as a Variant of Uncertain Significance.

Ambry Genetics
Classification: Likely benign for Hereditary cancer-predisposing syndrome. Last evaluated: 2024-04-15. Review status: criteria provided, single submitter. Criteria: Ambry Variant Classification Scheme 2023. Collection method: clinical testing. Allele origin: germline.

Fulgent Genetics
Classification: Uncertain significance for Breast-ovarian cancer, familial, susceptibility to, 1; Pancreatic cancer, susceptibility to, 4; Fanconi anemia, complementation group S. Last evaluated: 2024-02-14. Review status: criteria provided, single submitter. Criteria: ACMG Guidelines, 2015. Collection method: clinical testing. Allele origin: germline.

University of Washington Department of Laboratory Medicine, University of Washington
Classification: Likely benign for Hereditary cancer-predisposing syndrome. Last evaluated: 2023-03-23. Review status: criteria provided, single submitter. Criteria: Dines et al. (Genet Med. 2020). Collection method: curation. Allele origin: germline.
Comment: Missense variant in a coldspot region where missense variants are very unlikely to be pathogenic (PMID:31911673).

BRCA1 coldspot (exon 11 using historical exon numbering). Reclassification based on statistical prior probability

GeneDx
Classification: Uncertain significance. Last evaluated: 2022-12-21. Review status: criteria provided, single submitter. Criteria: GeneDx Variant Classification Process June 2021. Collection method: clinical testing. Allele origin: germline. Affected: yes.
Comment: Observed in individuals with breast and/or ovarian cancer, and also observed in unaffected controls (Nakamura et al., 2015; Park et al., 2017; Ryu et al., 2017; Arai et al., 2018; Momozawa et al., 2018; Nakagomi et al., 2018; Liu et al., 2019); Not observed at significant frequency in large population cohorts (gnomAD); In silico analysis supports that this missense variant has a deleterious effect on protein structure/function; Also known as c.1321G>A; This variant is associated with the following publications: (PMID: 29884841, 28364669, 30652428, 32377563, 20215511, 10426999, 9582019, 9926942, 15343273, 28111427, 29176636, 29215753, 30287823, 24249303)

Women's Health and Genetics/Laboratory Corporation of America, LabCorp
Classification: Uncertain significance. Last evaluated: 2021-02-25. Review status: criteria provided, single submitter. Criteria: LabCorp Variant Classification Summary - May 2015. Collection method: clinical testing. Allele origin: germline.
Comment: Variant summary: BRCA1 c.1202G>A (p.Gly401Glu) results in a non-conservative amino acid change located in the BRCA1, serine-rich domain of the encoded protein sequence. Four of five in-silico tools predict a benign effect of the variant on protein function. The variant allele was found at a frequency of 2.6e-05 in 273334 control chromosomes, specifically at a frequency of 0.00031 (7/11241) in a Japanese female control group (Momozawa_2018). The available data on variant occurrences in the general population are insufficient to allow any conclusion about variant significance. c.1202G>A has been reported in the literature in individuals affected with Hereditary Breast And Ovarian Cancer Syndrome, mainly in Japanese or Korean populations and likely with overlapping patients within each cohort (Nakamura_2013, Arai_2018, Liu_2019, Nakagomi_2018, Ryu_2017, Momozawa_2018). These reports do not provide strong evidence of causality and do not provide unequivocal conclusions about association of the variant with Hereditary Breast And Ovarian Cancer Syndrome. To our knowledge, no experimental evidence demonstrating an impact on protein function has been reported. Four clinical diagnostic laboratories have submitted clinical-significance assessments for this variant to ClinVar after 2014 without evidence for independent evaluation. Three labs classified the variant as a VUS while one classified the variant as benign. Based on the evidence outlined above, the variant was classified as uncertain significance.

Counsyl
Classification: Uncertain significance for Breast-ovarian cancer, familial, susceptibility to, 1. Last evaluated: 2016-03-08. Review status: no assertion criteria provided. Collection method: clinical testing. Allele origin: unknown. Not counted in ClinVar's aggregate classification.

Sharing Clinical Reports Project (SCRP)
Classification: Uncertain significance for Breast-ovarian cancer, familial 1. Last evaluated: 2011-09-22. Review status: no assertion criteria provided. Collection method: clinical testing. Allele origin: germline. Not counted in ClinVar's aggregate classification.

Literature cited by the submitters: PubMed 24249303 (cited by 4 submitters); PubMed 28111427 (cited by Color Diagnostics, LLC DBA Color Health and Ambry Genetics); PubMed 28364669 (cited by 3 submitters); PubMed 29215753 (cited by Color Diagnostics, LLC DBA Color Health and Women's Health and Genetics/Laboratory Corporation of America, LabCorp); PubMed 30652428 (cited by 3 submitters); PubMed 30287823 (cited by Ambry Genetics and Women's Health and Genetics/Laboratory Corporation of America, LabCorp); PubMed 29176636 (cited by Women's Health and Genetics/Laboratory Corporation of America, LabCorp).

NM_007294.4(BRCA1):c.1202G>A (p.Gly401Glu)

Gene: BRCA1 (BRCA1 DNA repair associated; minus strand). Cytogenetic location: 17q21.31.
Variant type: single nucleotide variant.
Coding change: c.1202G>A on transcript NM_007294.4 (MANE Select); coding-DNA position 1202, G replaced by A.
Protein change: p.Gly401Glu; replaces glycine 401 with glutamic acid.
Molecular consequence: missense variant. On other transcripts: intron variant (137).
Genome position (GRCh38, 1-based): chr17:43,094,329, C>T on the plus strand (G>A on the coding strand, the complement: BRCA1 is on the minus strand). VCF-style: chr17-43094329-C-T. GRCh37 (hg19) VCF-style: chr17-41246346-C-T.
Other names: 1321G>A; c.998G>A, p.Gly333Glu (NM_001407875.1, NM_001407874.1); c.992G>A, p.Gly331Glu (NM_001407879.1, NM_001407881.1, NM_001407882.1 and 13 more transcripts); c.989G>A, p.Gly330Glu (NM_001407894.1, NM_001407895.1, NM_001407896.1 and 9 more transcripts); c.1079G>A, p.Gly360Glu (NM_001407919.1, NM_001407937.1, NM_001407938.1 and 19 more transcripts); c.938G>A, p.Gly313Glu (NM_001407920.1, NM_001407921.1, NM_001407922.1 and 9 more transcripts); c.935G>A, p.Gly312Glu (NM_001407930.1, NM_001407931.1, NM_001407932.1 and 2 more transcripts); c.1076G>A, p.Gly359Glu (NM_001407940.1, NM_001407941.1, NM_001407649.1 and 11 more transcripts); and 41 more; short protein forms G401E, G354E, G290E, G331E, G353E, G359E, G374E, G233E.
Identifiers: ClinVar variation 37398 (VCV000037398.31), dbSNP rs397507184, ClinGen allele CA000791.